The following is an entry in ClinVar:

NM_022168.4(IFIH1):c.456del (p.Ile152fs)

Gene: IFIH1 (interferon induced with helicase C domain 1; minus strand). Cytogenetic location: 2q24.2.
Variant type: Deletion.
Coding change: c.456del on transcript NM_022168.4 (MANE Select); coding-DNA position 456, one base deleted (T; older notation c.456delT).
Protein change: p.Ile152fs; shifts the reading frame from isoleucine 152.
Molecular consequence: frameshift variant.
Genome position (GRCh38, 1-based): chr2:162,310,931, A deleted on the plus strand (T on the coding strand, the reverse complement: IFIH1 is on the minus strand); the first of 2 consecutive A bases (chr2:162,310,931-162,310,932); deleting either gives the same sequence. VCF-style (leftmost placement, unchanged base first): chr2-162310930-CA-C. GRCh37 (hg19) VCF-style: chr2-163167440-CA-C.
Other names: short protein forms I152fs.
Identifiers: ClinVar variation 1024908 (VCV001024908.6), dbSNP rs1683376227, ClinGen allele CA1303162534.

ClinVar aggregate classification (germline): Uncertain significance (1 of 4 stars; one submission).

Conditions:
Singleton-Merten syndrome 1 (SGMRT1). Also called: Widened medullary cavities of bone, aortic calcification, abnormal dentition, and muscular weakness; Syndrome of widened medullary cavities of the metacarpals and phalanges, aortic calcification and abnormal dentition. Identifiers: Orphanet 85191, MedGen C4225427, MONDO:0024535, OMIM 182250.
Aicardi-Goutieres syndrome 7 (AGS7). Identifiers: Orphanet 51, MedGen C3888244, MONDO:0014367, OMIM 615846.

Submission:

Labcorp Genetics (formerly Invitae), Labcorp
Classification: Uncertain significance for Aicardi-Goutieres syndrome 7; Singleton-Merten syndrome 1. Last evaluated: 2020-07-20. Review status: criteria provided, single submitter. Criteria: Invitae Variant Classification Sherloc (09022015). Collection method: clinical testing. Allele origin: germline.
Comment: This variant is not present in population databases (ExAC no frequency). This variant has not been reported in the literature in individuals with IFIH1-related conditions. The current clinical and genetic evidence is not sufficient to establish whether loss-of-function variants in IFIH1 cause disease. In summary, the available evidence is currently insufficient to determine the role of this variant in disease. Therefore, it has been classified as a Variant of Uncertain Significance. This sequence change creates a premature translational stop signal (p.Ile152Metfs*13) in the IFIH1 gene. It is expected to result in an absent or disrupted protein product.